The following is an entry in ClinVar:

ClinVar aggregate classification (germline): Uncertain significance (1 of 4 stars; one submission).

Submission:

Labcorp Genetics (formerly Invitae), Labcorp
Classification: Uncertain significance. Last evaluated: 2022-07-08. Review status: criteria provided, single submitter. Criteria: Invitae Variant Classification Sherloc (09022015). Collection method: clinical testing. Allele origin: germline.
Comment: Algorithms developed to predict the effect of missense changes on protein structure and function are either unavailable or do not agree on the potential impact of this missense change (SIFT: "Deleterious"; PolyPhen-2: "Benign"; Align-GVGD: "Class C0"). This variant has not been reported in the literature in individuals affected with PLOD3-related conditions. This variant is not present in population databases (gnomAD no frequency). This sequence change replaces alanine, which is neutral and non-polar, with threonine, which is neutral and polar, at codon 492 of the PLOD3 protein (p.Ala492Thr). In summary, the available evidence is currently insufficient to determine the role of this variant in disease. Therefore, it has been classified as a Variant of Uncertain Significance.

NM_001084.5(PLOD3):c.1474G>A (p.Ala492Thr)

Gene: PLOD3 (procollagen-lysine,2-oxoglutarate 5-dioxygenase 3; minus strand). Cytogenetic location: 7q22.1.
Variant type: single nucleotide variant.
Coding change: c.1474G>A on transcript NM_001084.5 (MANE Select); coding-DNA position 1474, G replaced by A.
Protein change: p.Ala492Thr; replaces alanine 492 with threonine.
Molecular consequence: missense variant.
Genome position (GRCh38, 1-based): chr7:101,210,558, C>T on the plus strand (G>A on the coding strand, the complement: PLOD3 is on the minus strand). VCF-style: chr7-101210558-C-T. GRCh37 (hg19) VCF-style: chr7-100853839-C-T.
Other names: short protein forms A492T.
Identifiers: ClinVar variation 1985807 (VCV001985807.4), dbSNP rs1584252178, ClinGen allele CA368614597.
Genomic context (GRCh38, chr7:101,210,558, plus strand): 5'-CTGCCCCCAGGCCAGACCGTGCACCCGCGCTCACCTTGTCTCGAAAGCTCTTACAGAAGG[C>T]CATGTCCGGGTCTGTGTCACTGCCCGAGAACACATCCCTCTGGGGCAGCTCCATCCGCAG-3'
Protein context (NP_001075.1, residues 482-502): FSGSDTDPDM[Ala492Thr]FCKSFRDKGI